The following is an entry in ClinVar:

ClinVar aggregate classification (germline): Pathogenic (1 of 4 stars; one submission).

Submission:

GeneDx
Classification: Pathogenic. Last evaluated: 2022-11-04. Review status: criteria provided, single submitter. Criteria: GeneDx Variant Classification Process June 2021. Collection method: clinical testing. Allele origin: germline. Affected: yes.
Comment: Nonsense variant predicted to result in protein truncation or nonsense mediated decay in a gene for which loss-of-function is a known mechanism of disease; Not observed at significant frequency in large population cohorts (gnomAD); Has not been previously published as pathogenic or benign to our knowledge

NM_181458.4(PAX3):c.797G>A (p.Trp266Ter)

Gene: PAX3 (paired box 3; minus strand). Cytogenetic location: 2q36.1.
Variant type: single nucleotide variant.
Coding change: c.797G>A on transcript NM_181458.4 (MANE Select); coding-DNA position 797, G replaced by A.
Protein change: p.Trp266Ter; replaces tryptophan 266 with a stop codon.
Molecular consequence: nonsense.
Genome position (GRCh38, 1-based): chr2:222,221,383, C>T on the plus strand (G>A on the coding strand, the complement: PAX3 is on the minus strand). VCF-style: chr2-222221383-C-T. GRCh37 (hg19) VCF-style: chr2-223086102-C-T.
Other names: c.794G>A, p.Trp265Ter (NM_001127366.3); c.797G>A, p.Trp266Ter (NM_181457.4, NM_181459.4, NM_181460.4 and 1 more transcripts); short protein forms W265*, W266*.
Identifiers: ClinVar variation 1722963 (VCV001722963.2), dbSNP rs2469252734, ClinGen allele CA351116769.